The following is an entry in ClinVar:

ClinVar aggregate classification (germline): Uncertain significance (1 of 4 stars; one submission).

Allele frequency attached by ClinVar (database versions not stated): gnomAD 0.00001; TOPMed 0.00001; ExAC 0.00002.

Submission:

GeneDx
Classification: Uncertain significance. Last evaluated: 2022-11-16. Review status: criteria provided, single submitter. Criteria: GeneDx Variant Classification Process June 2021. Collection method: clinical testing. Allele origin: germline. Affected: yes.
Comment: Nonsense variant predicted to result in protein truncation or nonsense mediated decay in a gene for which loss of function is a known mechanism of disease; Has not been previously published as pathogenic or benign to our knowledge

NM_005422.4(TECTA):c.3470G>A (p.Trp1157Ter)

Genes: TBCEL-TECTA (TBCEL-TECTA readthrough; plus strand), TECTA (tectorin alpha; plus strand). Cytogenetic location: 11q23.3.
Variant type: single nucleotide variant.
Coding change: c.3470G>A on transcript NM_005422.4 (MANE Select); coding-DNA position 3470, G replaced by A.
Protein change: p.Trp1157Ter; replaces tryptophan 1157 with a stop codon.
Molecular consequence: nonsense.
Genome position (GRCh38, 1-based): chr11:121,137,949, G>A. VCF-style: chr11-121137949-G-A. GRCh37 (hg19) VCF-style: chr11-121008658-G-A.
Other names: c.4427G>A, p.Trp1476Ter (NM_001378761.1); short protein forms W1157*, W1476*.
Identifiers: ClinVar variation 2502477 (VCV002502477.1), dbSNP rs756323006, ClinGen allele CA6327209.